The following is an entry in ClinVar:

NM_005609.4(PYGM):c.1804C>T (p.Arg602Trp)

Gene: PYGM (glycogen phosphorylase, muscle associated; minus strand). Cytogenetic location: 11q13.1.
Variant type: single nucleotide variant.
Coding change: c.1804C>T on transcript NM_005609.4 (MANE Select); coding-DNA position 1804, C replaced by T.
Protein change: p.Arg602Trp; replaces arginine 602 with tryptophan.
Molecular consequence: missense variant.
Genome position (GRCh38, 1-based): chr11:64,751,620, G>A on the plus strand (C>T on the coding strand, the complement: PYGM is on the minus strand). VCF-style: chr11-64751620-G-A. GRCh37 (hg19) VCF-style: chr11-64519092-G-A.
Other names: c.1540C>T, p.Arg514Trp (NM_001164716.1); c.1804C>T (NM_005609.2); short protein forms R514W, R602W.
Identifiers: ClinVar variation 1677203 (VCV001677203.14), dbSNP rs750195683, ClinGen allele CA6079731.

ClinVar aggregate classification (germline): Conflicting classifications of pathogenicity. Review status: criteria provided, conflicting classifications (1 of 4 stars). 8 submissions from 8 submitters: Pathogenic (1); Likely pathogenic (6); Uncertain significance (1). Last evaluated 2026-04-06.

Conditions:
Skeletal muscle channelopathy.
PYGM-related disorder. Also called: PYGM-related condition.
Glycogen storage disease, type V (GSD5). Also called: MCARDLE DISEASE; MUSCLE GLYCOGEN PHOSPHORYLASE DEFICIENCY; MYOPHOSPHORYLASE DEFICIENCY; PYGM DEFICIENCY; McArdle type glycogen storage disease. Identifiers: Orphanet 368, MedGen C0017924, MONDO:0009293, OMIM 232600.

Allele frequency attached by ClinVar (database versions not stated): gnomAD 0.00001; gnomAD exomes 0.00001 and 0.00002; TOPMed 0.00001; ExAC 0.00002.
gnomAD v4.1: 24 of 1,613,992 alleles (0.0015%); highest among the groups gnomAD compares: South Asian, 0.0066%; no homozygotes.

Submissions (8):

Genetics Laboratory, Great Ormond Street Hospital NHS Foundation Trust, North Thames Genomic Laboratory Hub
Classification: Uncertain significance for Skeletal muscle channelopathy. Last evaluated: 2026-04-06. Review status: criteria provided, single submitter. Criteria: ACGS Best Practice Guidelines for Variant Classification in Rare Disease 2024 v1.2. Collection method: clinical testing. Allele origin: germline. Affected: yes.
Comment: PM2_moderate, PP3_supporting, PM3_moderate

Labcorp Genetics (formerly Invitae), Labcorp
Classification: Pathogenic for Glycogen storage disease, type V. Last evaluated: 2026-01-09. Review status: criteria provided, single submitter. Criteria: Invitae Variant Classification Sherloc (09022015). Collection method: clinical testing. Allele origin: germline.
Comment: This sequence change replaces arginine, which is basic and polar, with tryptophan, which is neutral and slightly polar, at codon 602 of the PYGM protein (p.Arg602Trp). This variant is present in population databases (rs750195683, gnomAD 0.01%). This missense change has been observed in individual(s) with McArdle disease (PMID: 22250184). This variant is also known as R601W. ClinVar contains an entry for this variant (Variation ID: 1677203). Invitae Evidence Modeling of protein sequence and biophysical properties (such as structural, functional, and spatial information, amino acid conservation, physicochemical variation, residue mobility, and thermodynamic stability) indicates that this missense variant is expected to disrupt PYGM protein function with a positive predictive value of 95%. Algorithms developed to predict the effect of sequence changes on RNA splicing suggest that this variant may disrupt the consensus splice site. This variant disrupts the p.Arg602 amino acid residue in PYGM. Other variant(s) that disrupt this residue have been determined to be pathogenic (PMID: 12398832, 21658951, 21880526, 34215481). This suggests that this residue is clinically significant, and that variants that disrupt this residue are likely to be disease-causing. For these reasons, this variant has been classified as Pathogenic.

Natera, Inc.
Classification: Likely pathogenic for Glycogen storage disease V. Last evaluated: 2025-10-24. Review status: criteria provided, single submitter. Criteria: Natera Variant Classification Schema (03/2026). Collection method: clinical testing. Allele origin: germline.
Comment: The c.1804C>T variant in PYGM is a missense variant predicted to cause substitution of arginine to tryptophan at amino acid 602. This variant is rare in the general population with a frequency below the threshold expected for the associated phenotype(s). This variant has been observed in one or more individuals affected with the associated recessive disease, as either homozygous or compound heterozygous with a second variant (PMID: 29143597). A different variant at the same position has been determined to be Pathogenic or Likely Pathogenic. Computational prediction algorithms indicate this variant is likely to affect gene or protein function. Given the available evidence, this variant is classified as Likely Pathogenic.

Revvity Omics, Revvity
Classification: Likely pathogenic for Glycogen storage disease, type V. Last evaluated: 2024-09-27. Review status: criteria provided, single submitter. Criteria: ACMG Guidelines, 2015. Collection method: clinical testing. Allele origin: germline.

Women's Health and Genetics/Laboratory Corporation of America, LabCorp
Classification: Likely pathogenic for Glycogen storage disease, type V. Last evaluated: 2024-09-10. Review status: criteria provided, single submitter. Criteria: LabCorp Variant Classification Summary - May 2015. Collection method: clinical testing. Allele origin: germline.
Comment: Variant summary: PYGM c.1804C>T (p.Arg602Trp) results in a non-conservative amino acid change in the encoded protein sequence. Five of five in-silico tools predict a damaging effect of the variant on protein function. The variant allele was found at a frequency of 1.6e-05 in 251202 control chromosomes (gnomAD). c.1804C>T has been reported in the literature in at least two compound heterozygous individuals affected with Glycogen Storage Disease, Type V (e.g. Martin_2001, Rubio_2007). These data indicate that the variant may be associated with disease. To our knowledge, no experimental evidence demonstrating an impact on protein function has been reported. However, a different missense affecting the same residue (Arg602Gln) has been observed in affected individuals (HGMD) and been reported as (likely) pathogenic by multiple laboratories, supporting a clinical importance for this residue. The following publications have been ascertained in the context of this evaluation (PMID: 17560787, 11706962, 17994553, 17221871, 17630210). ClinVar contains an entry for this variant (Variation ID: 1677203). Based on the evidence outlined above, the variant was classified as likely pathogenic.

Baylor Genetics
Classification: Likely pathogenic for Glycogen storage disease, type V. Last evaluated: 2024-03-19. Review status: criteria provided, single submitter. Criteria: ACMG Guidelines, 2015. Collection method: clinical testing. Allele origin: unknown.

GeneDx
Classification: Likely pathogenic. Last evaluated: 2023-12-28. Review status: criteria provided, single submitter. Criteria: GeneDx Variant Classification Process June 2021. Collection method: clinical testing. Allele origin: germline. Affected: yes.
Comment: Not observed at significant frequency in large population cohorts (gnomAD); In silico analysis supports that this missense variant has a deleterious effect on protein structure/function; This variant is associated with the following publications: (PMID: 22347505, 17221871, 19232494, 17994553, 17560787, 16616821, 29143597, 34426522, 11706962, 12398832, 21658951)

Blueprint Genetics
Classification: Likely pathogenic for PYGM-related disorders. Last evaluated: 2020-12-01. Review status: criteria provided, single submitter. Criteria: ACMG Guidelines, 2015. Collection method: clinical testing. Allele origin: germline. Affected: yes. Observed: 3 variant alleles.

Literature cited by the submitters: PubMed 22250184 (cited by Labcorp Genetics (formerly Invitae), Labcorp); PubMed 12398832 (cited by Labcorp Genetics (formerly Invitae), Labcorp); PubMed 21658951 (cited by Labcorp Genetics (formerly Invitae), Labcorp); PubMed 21880526 (cited by Labcorp Genetics (formerly Invitae), Labcorp); PubMed 34215481 (cited by Labcorp Genetics (formerly Invitae), Labcorp); PubMed 29143597 (cited by Natera, Inc.); PubMed 17221871 (cited by Women's Health and Genetics/Laboratory Corporation of America, LabCorp); PubMed 11706962 (cited by Women's Health and Genetics/Laboratory Corporation of America, LabCorp); PubMed 17560787 (cited by Women's Health and Genetics/Laboratory Corporation of America, LabCorp); PubMed 17994553 (cited by Women's Health and Genetics/Laboratory Corporation of America, LabCorp); PubMed 17630210 (cited by Women's Health and Genetics/Laboratory Corporation of America, LabCorp).